The following is an entry in ClinVar:

ClinVar aggregate classification (germline): Uncertain significance (1 of 4 stars; one submission).

Conditions:
POLD1-related polyposis and colorectal cancer syndrome (CRCS10). Also called: Colorectal cancer, susceptibility to, 10; Colorectal cancer 10; COLORECTAL CANCER, SUSCEPTIBILITY TO, ON CHROMOSOME 19q. Identifiers: Orphanet 220460, MedGen C2675481, MONDO:0012953, OMIM 612591.

Submission:

Labcorp Genetics (formerly Invitae), Labcorp
Classification: Uncertain significance for POLD1-related polyposis and colorectal cancer syndrome. Last evaluated: 2018-11-15. Review status: criteria provided, single submitter. Criteria: Invitae Variant Classification Sherloc (09022015). Collection method: clinical testing. Allele origin: germline.
Comment: This variant, c.3236_3238delTCT, results in the deletion of 1 amino acid of the POLD1 protein (p.Phe1079del), but otherwise preserves the integrity of the reading frame. This variant is not present in population databases (ExAC no frequency). This variant has not been reported in the literature in individuals with POLD1-related disease. Experimental studies and prediction algorithms are not available for this variant, and the functional significance of the affected amino acid(s) is currently unknown. In summary, the available evidence is currently insufficient to determine the role of this variant in disease. Therefore, it has been classified as a Variant of Uncertain Significance.

NM_002691.4(POLD1):c.3233TCT[1] (p.Phe1079del)

Gene: POLD1 (DNA polymerase delta 1, catalytic subunit; plus strand). Cytogenetic location: 19q13.33.
Variant type: Microsatellite.
Coding change: c.3233TCT[1] on transcript NM_002691.4 (MANE Select); one copy of the 3-base unit TCT starting at c.3233; the reference has two copies in a row; one copy, 3 bases deleted.
Protein change: p.Phe1079del; deletes phenylalanine 1079.
Molecular consequence: inframe deletion. On other transcripts: non-coding transcript variant (1).
Genome position (GRCh38, 1-based): chr19:50,417,859-50,417,861, TCT deleted; deleting any 3 consecutive bases within chr19:50,417,856-50,417,861 gives the same sequence; the position shown is the placement nearest the transcript's 3' end. VCF-style (leftmost placement, unchanged base first): chr19-50417855-ATCT-A. GRCh37 (hg19) VCF-style: chr19-50921112-ATCT-A.
Other names: c.3233TCT[1], p.Phe1079del (NM_001256849.1); c.3311TCT[1], p.Phe1105del (NM_001308632.1); short protein forms F1079del, F1105del.
Identifiers: ClinVar variation 659066 (VCV000659066.8), dbSNP rs1601253982, ClinGen allele CA915951901.